The following is an entry in ClinVar:

NM_198904.4(GABRG2):c.189G>C (p.Glu63Asp)

Gene: GABRG2 (gamma-aminobutyric acid type A receptor subunit gamma2; plus strand). Cytogenetic location: 5q34.
Variant type: single nucleotide variant.
Coding change: c.189G>C on transcript NM_198904.4 (MANE Select); coding-DNA position 189, G replaced by C.
Protein change: p.Glu63Asp; replaces glutamic acid 63 with aspartic acid.
Molecular consequence: missense variant. On other transcripts: 5 prime UTR variant (3).
Genome position (GRCh38, 1-based): chr5:162,093,909, G>C. VCF-style: chr5-162093909-G-C. GRCh37 (hg19) VCF-style: chr5-161520915-G-C.
Other names: c.189G>C, p.Glu63Asp (NM_000816.3, NM_001375340.1, NM_001375341.1 and 4 more transcripts); c.180G>C, p.Glu60Asp (NM_001375339.1); c.123G>C, p.Glu41Asp (NM_001375345.1, NM_001375346.1); c.102G>C, p.Glu34Asp (NM_001375347.1); c.-170G>C (NM_001375348.1, NM_001375350.1); c.-97G>C (NM_001375349.1); short protein forms E34D, E63D, E60D, E41D.
Identifiers: ClinVar variation 1507389 (VCV001507389.8), dbSNP rs774756037, ClinGen allele CA362183011.

ClinVar aggregate classification (germline): Uncertain significance (1 of 4 stars; one submission).

Conditions:
EPILEPSY, CHILDHOOD ABSENCE, SUSCEPTIBILITY TO, 2 (ECA2). Identifiers: Orphanet 64280, MedGen C1843244, OMIM 607681.
Febrile seizures, familial, 8 (FEB8). Also called: CONVULSIONS, FAMILIAL FEBRILE, 8. Identifiers: Orphanet 36387, MedGen C1969810, MONDO:0011891, OMIM 607681.

Submission:

Labcorp Genetics (formerly Invitae), Labcorp
Classification: Uncertain significance for Febrile seizures, familial, 8; EPILEPSY, CHILDHOOD ABSENCE, SUSCEPTIBILITY TO, 2. Last evaluated: 2022-07-26. Review status: criteria provided, single submitter. Criteria: Invitae Variant Classification Sherloc (09022015). Collection method: clinical testing. Allele origin: germline.
Comment: In summary, the available evidence is currently insufficient to determine the role of this variant in disease. Therefore, it has been classified as a Variant of Uncertain Significance. Advanced modeling of protein sequence and biophysical properties (such as structural, functional, and spatial information, amino acid conservation, physicochemical variation, residue mobility, and thermodynamic stability) performed at Invitae indicates that this missense variant is not expected to disrupt GABRG2 protein function. ClinVar contains an entry for this variant (Variation ID: 1507389). This variant has not been reported in the literature in individuals affected with GABRG2-related conditions. This variant is not present in population databases (gnomAD no frequency). This sequence change replaces glutamic acid, which is acidic and polar, with aspartic acid, which is acidic and polar, at codon 63 of the GABRG2 protein (p.Glu63Asp).